The following is an entry in ClinVar:

ClinVar aggregate classification (germline): Uncertain significance (1 of 4 stars; one submission).

Conditions:
NPHS1-related disorder. Also called: NPHS1-related condition.

Allele frequency attached by ClinVar (database versions not stated): gnomAD exomes below 0.00001; TOPMed below 0.00001; ExAC 0.00001; gnomAD 0.00001.
gnomAD v4.1: 3 of 1,613,944 alleles (0.00019%); highest among the groups gnomAD compares: Middle Eastern, 0.016%; no homozygotes.

Submission:

PreventionGenetics, part of Exact Sciences
Classification: Uncertain significance for NPHS1-related condition. Last evaluated: 2023-07-14. Review status: criteria provided, single submitter. Criteria: ACMG Guidelines, 2015. Collection method: clinical testing. Allele origin: germline.
Comment: The NPHS1 c.3481G>A variant is predicted to result in the amino acid substitution p.Gly1161Ser. This variant is also located at the last nucleotide of the exon and predicted to weaken the canonical donor splice site (Alamut Visual Plus v1.6.1). To our knowledge, this variant has not been reported in the literature or in a large population database, indicating this variant is rare. At this time, the clinical significance of this variant is uncertain due to the absence of conclusive functional and genetic evidence.

NM_004646.4(NPHS1):c.3481G>A (p.Gly1161Ser)

Gene: NPHS1 (NPHS1 adhesion molecule, nephrin; minus strand). Cytogenetic location: 19q13.12.
Variant type: single nucleotide variant.
Coding change: c.3481G>A on transcript NM_004646.4 (MANE Select); coding-DNA position 3481, G replaced by A.
Protein change: p.Gly1161Ser; replaces glycine 1161 with serine.
Molecular consequence: missense variant.
Genome position (GRCh38, 1-based): chr19:35,831,053, C>T on the plus strand (G>A on the coding strand, the complement: NPHS1 is on the minus strand). VCF-style: chr19-35831053-C-T. GRCh37 (hg19) VCF-style: chr19-36321955-C-T.
Other names: short protein forms G1161S.
Identifiers: ClinVar variation 2631571 (VCV002631571.1), dbSNP rs750378544, ClinGen allele CA9389748.
Genomic context (GRCh38, chr19:35,831,053, plus strand): 5'-CCCAGTCCAGGCGTCGGGGGTACCTCTGAGTGAGGGAATCCTGACATGGTCCTAACTCAC[C>T]TCGGGAATAAGACACCTCCTCCTGCGTCGGGGGCAGCTGGGGGCTGAAGTCCCTCAGGGA-3'
Protein context (NP_004637.1, residues 1151-1171): PTQEEVSYSR[Gly1161Ser]FTGEDEDMAF